The following is an entry in ClinVar:

ClinVar aggregate classification (germline): Uncertain significance (1 of 4 stars; one submission).

Conditions:
Long QT syndrome (LQTS). Identifiers: MedGen C0023976, MeSH D008133, MONDO:0002442. Disease mechanism: loss of function. Inheritance: Various modes of inheritance.

Allele frequency attached by ClinVar (database versions not stated): TOPMed below 0.00001.

Submission:

Labcorp Genetics (formerly Invitae), Labcorp
Classification: Uncertain significance for Long QT syndrome. Last evaluated: 2023-06-05. Review status: criteria provided, single submitter. Criteria: Invitae Variant Classification Sherloc (09022015). Collection method: clinical testing. Allele origin: germline.
Comment: Algorithms developed to predict the effect of missense changes on protein structure and function output the following: SIFT: "Not Available"; PolyPhen-2: "Benign"; Align-GVGD: "Not Available". The arginine amino acid residue is found in multiple mammalian species, which suggests that this missense change does not adversely affect protein function. This variant is not present in population databases (gnomAD no frequency). This variant has not been reported in the literature in individuals affected with ANK2-related conditions. In summary, the available evidence is currently insufficient to determine the role of this variant in disease. Therefore, it has been classified as a Variant of Uncertain Significance. This sequence change replaces glutamine, which is neutral and polar, with arginine, which is basic and polar, at codon 2370 of the ANK2 protein (p.Gln2370Arg).

NM_001148.6(ANK2):c.7109A>G (p.Gln2370Arg)

Genes: ANK2 (ankyrin 2; plus strand), LOC126807137 (CDK7 strongly-dependent group 2 enhancer GRCh37_chr4:114276560-114277759; plus strand). Cytogenetic location: 4q26.
Variant type: single nucleotide variant.
Coding change: c.7109A>G on transcript NM_001148.6 (MANE Select); coding-DNA position 7109, A replaced by G.
Protein change: p.Gln2370Arg; replaces glutamine 2370 with arginine.
Molecular consequence: missense variant. On other transcripts: intron variant (68).
Genome position (GRCh38, 1-based): chr4:113,355,727, A>G. VCF-style: chr4-113355727-A-G. GRCh37 (hg19) VCF-style: chr4-114276883-A-G.
Other names: c.4424-5096A>G (NM_001354265.2, NM_001354235.2, NM_001354246.2); c.4325-5096A>G (NM_001354236.2); c.4463-5096A>G (NM_001354232.2); c.4328-5096A>G (NM_001354228.2, NM_001354258.2); c.4265-5096A>G (NM_001354245.2, NM_001354262.2, NM_001354275.2); c.4412-5096A>G (NM_001386186.2, NM_001386148.2); c.4214-5096A>G (NM_001354269.3); c.4292-5096A>G (NM_001386187.2); and 35 more; short protein forms Q2417R, Q2292R, Q2409R, Q1170R, Q2370R.
Identifiers: ClinVar variation 2693046 (VCV002693046.3), dbSNP rs1358987002, ClinGen allele CA357929448.